The following is an entry in ClinVar:

NM_000465.4(BARD1):c.1320C>T (p.Asp440=)

Gene: BARD1 (BRCA1 associated RING domain 1; minus strand). Cytogenetic location: 2q35.
Variant type: single nucleotide variant.
Coding change: c.1320C>T on transcript NM_000465.4 (MANE Select); coding-DNA position 1320, C replaced by T.
Protein change: p.Asp440=; no amino-acid change (aspartic acid 440 retained).
Molecular consequence: synonymous variant. On other transcripts: non-coding transcript variant (3), intron variant (3).
Genome position (GRCh38, 1-based): chr2:214,769,307, G>A on the plus strand (C>T on the coding strand, the complement: BARD1 is on the minus strand). VCF-style: chr2-214769307-G-A. GRCh37 (hg19) VCF-style: chr2-215634031-G-A.
Other names: c.1263C>T, p.Asp421= (NM_001282543.2); c.159-16752C>T (NM_001282548.2); c.216-16752C>T (NM_001282545.2); c.364+22990C>T (NM_001282549.2).
Identifiers: ClinVar variation 818910 (VCV000818910.16), dbSNP rs780136325, ClinGen allele CA2090287.

ClinVar aggregate classification (germline): Benign/Likely benign. Review status: criteria provided, multiple submitters, no conflicts (2 of 4 stars). 4 submissions from 4 submitters: Benign (1); Likely benign (3). Last evaluated 2024-09-25.

Conditions:
Hereditary cancer-predisposing syndrome. Also called: Tumor predisposition; Hereditary neoplastic syndrome; Neoplastic Syndromes, Hereditary; Hereditary Cancer Syndrome. Identifiers: Orphanet 140162, MedGen C0027672, MeSH D009386, MONDO:0015356.
Familial cancer of breast. Also called: hereditary breast carcinoma; Hereditary breast cancer; BREAST CANCER, FAMILIAL. Identifiers: Orphanet 227535, MedGen C0346153, MONDO:0016419, OMIM 114480. Disease mechanism: loss of function.

Allele frequency attached by ClinVar (database versions not stated): gnomAD exomes below 0.00001; ExAC 0.00001.
gnomAD v4.1: 2 of 1,612,498 alleles (0.00012%); highest among the groups gnomAD compares: South Asian, 0.0022%; no homozygotes.

Submissions (4):

Labcorp Genetics (formerly Invitae), Labcorp
Classification: Likely benign for Familial cancer of breast. Last evaluated: 2024-09-25. Review status: criteria provided, single submitter. Criteria: Invitae Variant Classification Sherloc (09022015). Collection method: clinical testing. Allele origin: germline.

Myriad Genetics, Inc.
Classification: Benign for Familial cancer of breast. Last evaluated: 2024-07-24. Review status: criteria provided, single submitter. Criteria: Myriad Autosomal Dominant, Autosomal Recessive and X-Linked Classification Criteria (2023). Collection method: clinical testing. Allele origin: unknown.
Comment: This variant is considered benign. This variant is a silent/synonymous amino acid change and it is not expected to impact splicing.

Color Diagnostics, LLC DBA Color Health
Classification: Likely benign for Hereditary cancer-predisposing syndrome. Last evaluated: 2021-02-26. Review status: criteria provided, single submitter. Criteria: ACMG Guidelines, 2015. Collection method: clinical testing. Allele origin: germline.

Ambry Genetics
Classification: Likely benign for Hereditary cancer-predisposing syndrome. Last evaluated: 2019-03-11. Review status: criteria provided, single submitter. Criteria: Ambry Variant Classification Scheme 2023. Collection method: clinical testing. Allele origin: germline.